The following is an entry in ClinVar:

NM_021222.3(PRUNE1):c.1191C>G (p.Gly397=)

Gene: PRUNE1 (prune exopolyphosphatase 1; plus strand). Cytogenetic location: 1q21.3.
Variant type: single nucleotide variant.
Coding change: c.1191C>G on transcript NM_021222.3 (MANE Select); coding-DNA position 1191, C replaced by G.
Protein change: p.Gly397=; no amino-acid change (glycine 397 retained).
Molecular consequence: synonymous variant. On other transcripts: non-coding transcript variant (4).
Genome position (GRCh38, 1-based): chr1:151,034,063, C>G. VCF-style: chr1-151034063-C-G. GRCh37 (hg19) VCF-style: chr1-151006539-C-G.
Other names: c.645C>G, p.Gly215= (NM_001303229.2); c.1032C>G, p.Gly344= (NM_001303242.2); c.1191C>G (NM_021222.2); c.588C>G, p.Gly196= (NM_001303243.2).
Identifiers: ClinVar variation 2162615 (VCV002162615.6), dbSNP rs3738476, ClinGen allele CA1083976.

ClinVar aggregate classification (germline): Benign. Review status: criteria provided, single submitter (1 of 4 stars). 2 submissions from 2 submitters: Benign (1). 1 of the submissions does not count toward it. Last evaluated 2025-12-03.

Conditions:
PRUNE1-related disorder. Also called: PRUNE1-related condition.

Allele frequency attached by ClinVar (database versions not stated): 1000 Genomes Project 30x 0.00016.
gnomAD v4.1: 682 of 1,614,084 alleles (0.042%); highest among the groups gnomAD compares: East Asian, 1.5%; 11 homozygotes.

Submissions (2):

Labcorp Genetics (formerly Invitae), Labcorp
Classification: Benign. Last evaluated: 2025-12-03. Review status: criteria provided, single submitter. Criteria: Invitae Variant Classification Sherloc (09022015). Collection method: clinical testing. Allele origin: germline.

PreventionGenetics, part of Exact Sciences
Classification: Benign for PRUNE1-related condition. Last evaluated: 2019-12-16. Review status: no assertion criteria provided. Collection method: clinical testing. Allele origin: germline. Not counted in ClinVar's aggregate classification.
Comment: This variant is classified as benign based on ACMG/AMP sequence variant interpretation guidelines (Richards et al. 2015 PMID: 25741868, with internal and published modifications).